The following is an entry in ClinVar:

ClinVar aggregate classification (germline): Uncertain significance (1 of 4 stars; one submission).

Conditions:
Hereditary cancer-predisposing syndrome. Also called: Hereditary Cancer Syndrome; Tumor predisposition; Hereditary neoplastic syndrome; Neoplastic Syndromes, Hereditary. Identifiers: Orphanet 140162, MedGen C0027672, MeSH D009386, MONDO:0015356.

Submission:

Ambry Genetics
Classification: Uncertain significance for Hereditary cancer-predisposing syndrome. Last evaluated: 2024-11-24. Review status: criteria provided, single submitter. Criteria: Ambry Variant Classification Scheme 2023. Collection method: clinical testing. Allele origin: germline.
Comment: The p.F1234S variant (also known as c.3701T>C), located in coding exon 18 of the MET gene, results from a T to C substitution at nucleotide position 3701. The phenylalanine at codon 1234 is replaced by serine, an amino acid with highly dissimilar properties. This amino acid position is conserved. In addition, the in silico prediction for this alteration is inconclusive. Based on the available evidence, the clinical significance of this variant remains unclear.

NM_000245.4(MET):c.3647T>C (p.Phe1216Ser)

Gene: MET (MET proto-oncogene, receptor tyrosine kinase; plus strand). Cytogenetic location: 7q31.2.
Variant type: single nucleotide variant.
Coding change: c.3647T>C on transcript NM_000245.4 (MANE Select); coding-DNA position 3647, T replaced by C.
Protein change: p.Phe1216Ser; replaces phenylalanine 1216 with serine.
Molecular consequence: missense variant.
Genome position (GRCh38, 1-based): chr7:116,783,318, T>C. VCF-style: chr7-116783318-T-C. GRCh37 (hg19) VCF-style: chr7-116423372-T-C.
Other names: c.3701T>C, p.Phe1234Ser (NM_001127500.3); c.2357T>C, p.Phe786Ser (NM_001324402.2); short protein forms F1234S, F1216S, F786S.
Identifiers: ClinVar variation 3395209 (VCV003395209.1).